The following is an entry in ClinVar:

NM_173354.5(SIK1):c.2135C>A (p.Pro712Gln)

Gene: SIK1 (salt inducible kinase 1; minus strand). Cytogenetic location: 21q22.3.
Variant type: single nucleotide variant.
Coding change: c.2135C>A on transcript NM_173354.5 (MANE Select); coding-DNA position 2135, C replaced by A.
Protein change: p.Pro712Gln; replaces proline 712 with glutamine.
Molecular consequence: missense variant.
Genome position (GRCh38, 1-based): chr21:43,416,959, G>T on the plus strand (C>A on the coding strand, the complement: SIK1 is on the minus strand). VCF-style: chr21-43416959-G-T. GRCh37 (hg19) VCF-style: chr21-44836839-G-T.
Other names: short protein forms P712Q.
Identifiers: ClinVar variation 1930807 (VCV001930807.5), dbSNP rs1601506374, ClinGen allele CA410606589.

ClinVar aggregate classification (germline): Uncertain significance (1 of 4 stars; one submission).

Conditions:
Developmental and epileptic encephalopathy, 30 (DEE30). Also called: Epileptic encephalopathy, early infantile, 30. Identifiers: MedGen C4225360, MONDO:0014595, OMIM 616341.

Submission:

Labcorp Genetics (formerly Invitae), Labcorp
Classification: Uncertain significance for Developmental and epileptic encephalopathy, 30. Last evaluated: 2023-06-14. Review status: criteria provided, single submitter. Criteria: Invitae Variant Classification Sherloc (09022015). Collection method: clinical testing. Allele origin: germline.
Comment: ClinVar contains an entry for this variant (Variation ID: 1930807). In summary, the available evidence is currently insufficient to determine the role of this variant in disease. Therefore, it has been classified as a Variant of Uncertain Significance. Advanced modeling of protein sequence and biophysical properties (such as structural, functional, and spatial information, amino acid conservation, physicochemical variation, residue mobility, and thermodynamic stability) performed at Invitae indicates that this missense variant is not expected to disrupt SIK1 protein function. This variant has not been reported in the literature in individuals affected with SIK1-related conditions. This variant is not present in population databases (gnomAD no frequency). This sequence change replaces proline, which is neutral and non-polar, with glutamine, which is neutral and polar, at codon 712 of the SIK1 protein (p.Pro712Gln).